The following is an entry in ClinVar:

ClinVar aggregate classification (germline): Uncertain significance (1 of 4 stars; one submission).

Conditions:
Peroxisome biogenesis disorder, complementation group K (CGK). Identifiers: MedGen C1866257, MONDO:0800365.

Submission:

Labcorp Genetics (formerly Invitae), Labcorp
Classification: Uncertain significance for Peroxisome biogenesis disorder, complementation group K. Last evaluated: 2021-04-05. Review status: criteria provided, single submitter. Criteria: Invitae Variant Classification Sherloc (09022015). Collection method: clinical testing. Allele origin: germline.
Comment: In summary, the available evidence is currently insufficient to determine the role of this variant in disease. Therefore, it has been classified as a Variant of Uncertain Significance. Algorithms developed to predict the effect of missense changes on protein structure and function are either unavailable or do not agree on the potential impact of this missense change (SIFT: "Deleterious"; PolyPhen-2: "Benign"; Align-GVGD: "Class C0"). This variant has not been reported in the literature in individuals with PEX14-related conditions. This variant is not present in population databases (ExAC no frequency). This sequence change replaces phenylalanine with leucine at codon 52 of the PEX14 protein (p.Phe52Leu). The phenylalanine residue is highly conserved and there is a small physicochemical difference between phenylalanine and leucine.

NM_004565.3(PEX14):c.154T>C (p.Phe52Leu)

Gene: PEX14 (peroxisomal biogenesis factor 14; plus strand). Cytogenetic location: 1p36.22.
Variant type: single nucleotide variant.
Coding change: c.154T>C on transcript NM_004565.3 (MANE Select); coding-DNA position 154, T replaced by C.
Protein change: p.Phe52Leu; replaces phenylalanine 52 with leucine.
Molecular consequence: missense variant.
Genome position (GRCh38, 1-based): chr1:10,536,282, T>C. VCF-style: chr1-10536282-T-C. GRCh37 (hg19) VCF-style: chr1-10596339-T-C.
Other names: short protein forms F52L.
Identifiers: ClinVar variation 1523461 (VCV001523461.8), dbSNP rs2124482255, ClinGen allele CA338688656.